The following is an entry in ClinVar:

NM_001352514.2(HLCS):c.1326C>T (p.Pro442=)

Gene: HLCS (holocarboxylase synthetase; minus strand). Cytogenetic location: 21q22.13.
Variant type: single nucleotide variant.
Coding change: c.1326C>T on transcript NM_001352514.2 (MANE Select); coding-DNA position 1326, C replaced by T.
Protein change: p.Pro442=; no amino-acid change (proline 442 retained).
Molecular consequence: synonymous variant. On other transcripts: non-coding transcript variant (2).
Genome position (GRCh38, 1-based): chr21:36,936,560, G>A on the plus strand (C>T on the coding strand, the complement: HLCS is on the minus strand). VCF-style: chr21-36936560-G-A. GRCh37 (hg19) VCF-style: chr21-38308860-G-A.
Other names: c.885C>T, p.Pro295= (NM_000411.8, NM_001242784.3, NM_001242785.2 and 4 more transcripts).
Identifiers: ClinVar variation 513606 (VCV000513606.10), dbSNP rs143393390, ClinGen allele CA10020595.

ClinVar aggregate classification (germline): Likely benign. Review status: criteria provided, multiple submitters, no conflicts (2 of 4 stars). 2 submissions from 2 submitters: Likely benign (2). Last evaluated 2025-10-29.

Conditions:
Holocarboxylase synthetase deficiency. Also called: MULTIPLE CARBOXYLASE DEFICIENCY, EARLY ONSET. Identifiers: Orphanet 79242, MedGen C0268581, MONDO:0009666, OMIM 253270.

Allele frequency attached by ClinVar (database versions not stated): gnomAD exomes 0.00008; ExAC 0.00012; gnomAD 0.00023 and 0.00024; TOPMed 0.00024; ESP Exome Variant Server 0.00031; 1000 Genomes Project 0.00040; 1000 Genomes Project 30x 0.00047.
gnomAD v4.1: 71 of 1,614,140 alleles (0.0044%); highest among the groups gnomAD compares: African/African-American, 0.067%; no homozygotes.

Submissions (2):

Labcorp Genetics (formerly Invitae), Labcorp
Classification: Likely benign for Holocarboxylase synthetase deficiency. Last evaluated: 2025-10-29. Review status: criteria provided, single submitter. Criteria: Invitae Variant Classification Sherloc (09022015). Collection method: clinical testing. Allele origin: germline.

GeneDx
Classification: Likely benign. Last evaluated: 2017-12-07. Review status: criteria provided, single submitter. Criteria: GeneDx Variant Classification (06012015). Collection method: clinical testing. Allele origin: germline. Affected: yes.
Comment: This variant is considered likely benign or benign based on one or more of the following criteria: it is a conservative change, it occurs at a poorly conserved position in the protein, it is predicted to be benign by multiple in silico algorithms, and/or has population frequency not consistent with disease.